The following is an entry in ClinVar:

ClinVar aggregate classification (germline): Uncertain significance. Review status: criteria provided, multiple submitters, no conflicts (2 of 4 stars). 2 submissions from 2 submitters: Uncertain significance (2). Last evaluated 2024-04-30.

Conditions:
Multiple endocrine neoplasia, type 1 (MEN1). Also called: MEA I; MEN I; WERMER SYNDROME; Endocrine adenomatosis multiple; MEN 1. Identifiers: Orphanet 652, MedGen C0025267, MeSH D018761, MONDO:0007540, OMIM 131100.

Allele frequency attached by ClinVar (database versions not stated): gnomAD exomes below 0.00001.
gnomAD v4.1: 3 of 1,609,684 alleles (0.00019%); highest among the groups gnomAD compares: Non-Finnish European, 0.00025%; no homozygotes.

Submissions (2):

Women's Health and Genetics/Laboratory Corporation of America, LabCorp
Classification: Uncertain significance. Last evaluated: 2024-04-30. Review status: criteria provided, single submitter. Criteria: LabCorp Variant Classification Summary - May 2015. Collection method: clinical testing. Allele origin: germline.
Comment: Variant summary: MEN1 c.1556C>T (p.Pro519Leu) results in a non-conservative amino acid change in the encoded protein sequence. Three of five in-silico tools predict a benign effect of the variant on protein function. The frequency data for this variant in gnomAD is considered unreliable, as metrics indicate poor data quality at this position. To our knowledge, no occurrence of c.1556C>T in individuals affected with Multiple Endocrine Neoplasia Type 1 and no experimental evidence demonstrating its impact on protein function have been reported. ClinVar contains an entry for this variant (Variation ID: 2771876). Based on the evidence outlined above, the variant was classified as uncertain significance.

Labcorp Genetics (formerly Invitae), Labcorp
Classification: Uncertain significance for Multiple endocrine neoplasia, type 1. Last evaluated: 2023-12-04. Review status: criteria provided, single submitter. Criteria: Invitae Variant Classification Sherloc (09022015). Collection method: clinical testing. Allele origin: germline.
Comment: This sequence change replaces proline, which is neutral and non-polar, with leucine, which is neutral and non-polar, at codon 519 of the MEN1 protein (p.Pro519Leu). This variant is not present in population databases (gnomAD no frequency). This variant has not been reported in the literature in individuals affected with MEN1-related conditions. Advanced modeling of protein sequence and biophysical properties (such as structural, functional, and spatial information, amino acid conservation, physicochemical variation, residue mobility, and thermodynamic stability) has been performed at Invitae for this missense variant, however the output from this modeling did not meet the statistical confidence thresholds required to predict the impact of this variant on MEN1 protein function. In summary, the available evidence is currently insufficient to determine the role of this variant in disease. Therefore, it has been classified as a Variant of Uncertain Significance.

NM_001370259.2(MEN1):c.1556C>T (p.Pro519Leu)

Gene: MEN1 (menin 1; minus strand). Cytogenetic location: 11q13.1.
Variant type: single nucleotide variant.
Coding change: c.1556C>T on transcript NM_001370259.2 (MANE Select); coding-DNA position 1556, C replaced by T.
Protein change: p.Pro519Leu; replaces proline 519 with leucine.
Molecular consequence: missense variant. On other transcripts: non-coding transcript variant (4).
Genome position (GRCh38, 1-based): chr11:64,804,611, G>A on the plus strand (C>T on the coding strand, the complement: MEN1 is on the minus strand). VCF-style: chr11-64804611-G-A. GRCh37 (hg19) VCF-style: chr11-64572083-G-A.
Other names: c.1451C>T, p.Pro484Leu (NM_001370263.2, NM_001370262.2, NM_001407148.1 and 1 more transcripts); c.1577C>T, p.Pro526Leu (NM_001407151.1); c.1556C>T, p.Pro519Leu (NM_001370261.2, NM_130799.3, NM_001370260.2 and 2 more transcripts); c.1391C>T, p.Pro464Leu (NM_001407152.1); c.1571C>T, p.Pro524Leu (NM_130800.3, NM_130801.3, NM_130802.3 and 4 more transcripts); c.1682C>T, p.Pro561Leu (NM_001370251.2, NM_001407142.1, NM_001407143.1 and 1 more transcripts); c.1697C>T, p.Pro566Leu (NM_001407150.1); short protein forms P526L, P464L, P519L, P484L, P524L, P561L, P566L.
Identifiers: ClinVar variation 2771876 (VCV002771876.4), dbSNP rs2497114504, ClinGen allele CA381178497.
Genomic context (GRCh38, chr11:64,804,611, plus strand): 5'-GCTGGCACCTGAGCCGTGCTGCCACCTTCAGGGCCTCGGGCTGTGCCAGCGACAGTCCCA[G>A]GAGGCTTCCGGGGGGGTCCTGACACTGCACCCTGGCCGGTGCCCAGGCCCTTGTCCAGTG-3'
Protein context (NP_001357188.2, residues 509-529): GAVSGPPRKP[Pro519Leu]GTVAGTARGP